The following is an entry in ClinVar:

ClinVar aggregate classification (germline): Uncertain significance (1 of 4 stars; one submission).

Conditions:
Hereditary cancer-predisposing syndrome. Also called: Neoplastic Syndromes, Hereditary; Tumor predisposition; Hereditary Cancer Syndrome; Hereditary neoplastic syndrome. Identifiers: Orphanet 140162, MedGen C0027672, MeSH D009386, MONDO:0015356.

Submission:

Ambry Genetics
Classification: Uncertain significance for Hereditary cancer-predisposing syndrome. Last evaluated: 2019-08-05. Review status: criteria provided, single submitter. Criteria: Ambry Variant Classification Scheme 2023. Collection method: clinical testing. Allele origin: germline.
Comment: The p.R774T variant (also known as c.2321G>C), located in coding exon 15 of the CDH1 gene, results from a G to C substitution at nucleotide position 2321. The arginine at codon 774 is replaced by threonine, an amino acid with similar properties. This amino acid position is highly conserved in available vertebrate species. In addition, this alteration is predicted to be deleterious by in silico analysis. Since supporting evidence is limited at this time, the clinical significance of this alteration remains unclear.

NM_004360.5(CDH1):c.2321G>C (p.Arg774Thr)

Gene: CDH1 (cadherin 1; plus strand). Cytogenetic location: 16q22.1.
Variant type: single nucleotide variant.
Coding change: c.2321G>C on transcript NM_004360.5 (MANE Select); coding-DNA position 2321, G replaced by C.
Protein change: p.Arg774Thr; replaces arginine 774 with threonine.
Molecular consequence: missense variant.
Genome position (GRCh38, 1-based): chr16:68,829,679, G>C. VCF-style: chr16-68829679-G-C. GRCh37 (hg19) VCF-style: chr16-68863582-G-C.
Other names: c.2138G>C, p.Arg713Thr (NM_001317184.2); c.773G>C, p.Arg258Thr (NM_001317185.2); c.356G>C, p.Arg119Thr (NM_001317186.2); short protein forms R119T, R258T, R774T, R713T.
Identifiers: ClinVar variation 821096 (VCV000821096.4), dbSNP rs1596972434, ClinGen allele CA396470871.